The following is an entry in ClinVar:

ClinVar aggregate classification (germline): Likely benign (1 of 4 stars; one submission).

Submission:

Women's Health and Genetics/Laboratory Corporation of America, LabCorp
Classification: Likely benign. Last evaluated: 2026-06-17. Review status: criteria provided, single submitter. Criteria: LabCorp Variant Classification Summary - May 2015. Collection method: clinical testing. Allele origin: germline.
Comment: Variant summary: GPC3 c.338-7_338-5dupTTT alters a non-conserved nucleotide located at a position not widely known to affect splicing. Consensus agreement among computation tools predict no significant impact on normal splicing. However, these predictions have yet to be confirmed by functional studies. The frequency data for this variant in gnomAD is considered unreliable, as metrics indicate poor data quality at this position. To our knowledge, no occurrence of c.338-7_338-5dupTTT in individuals affected with GPC3-related conditions and no experimental evidence demonstrating its impact on protein function have been reported. No submitters have cited clinical-significance assessments for this variant to ClinVar. Based on the evidence outlined above, the variant was classified as likely benign.

NM_004484.4(GPC3):c.338-7_338-5dup

Gene: GPC3 (glypican 3; minus strand). Cytogenetic location: Xq26.2.
Variant type: Duplication.
Coding change: c.338-7_338-5dup on transcript NM_004484.4 (MANE Select); 7 bases into the intron before coding-DNA position 338 through 5 bases into the intron before coding-DNA position 338, 3 bases duplicated (TTT; older notation c.338-7_338-5dupTTT).
Molecular consequence: intron variant.
Genome position (GRCh38, 1-based): chrX:133,754,181-133,754,183, AAA duplicated on the plus strand (TTT on the coding strand, the reverse complement: GPC3 is on the minus strand); duplicating any 3 consecutive bases within chrX:133,754,181-133,754,196 gives the same sequence; the c. name uses the placement nearest the transcript's 3' end. VCF-style (leftmost placement, unchanged base first): chrX-133754180-T-TAAA. GRCh37 (hg19) VCF-style: chrX-132888207-T-TAAA.
Other names: c.338-7_338-5dupTTT (NM_004484.4); c.176-7_176-5dup (NM_001164619.2); c.290-7_290-5dup (NM_001164618.2); c.338-7_338-5dup (NM_001164617.2).
Identifiers: ClinVar variation 4887172 (VCV004887172.1).